The following is an entry in ClinVar:

ClinVar aggregate classification (germline): Benign/Likely benign. Review status: criteria provided, multiple submitters, no conflicts (2 of 4 stars). 4 submissions from 4 submitters: Benign (2); Likely benign (2). Last evaluated 2025-05-21.

Conditions:
Hereditary cancer-predisposing syndrome. Also called: Hereditary Cancer Syndrome; Neoplastic Syndromes, Hereditary; Hereditary neoplastic syndrome; Tumor predisposition. Identifiers: Orphanet 140162, MedGen C0027672, MeSH D009386, MONDO:0015356.
Tuberous sclerosis 2 (TSC2). Identifiers: Orphanet 805, MedGen C1860707, MONDO:0013199, OMIM 613254.

Allele frequency attached by ClinVar (database versions not stated): gnomAD exomes below 0.00001.
gnomAD v4.1: 1 of 1,613,742 alleles (0.000062%); highest among the groups gnomAD compares: Non-Finnish European, 0.000085%; no homozygotes.

Submissions (4):

Myriad Genetics, Inc.
Classification: Benign for Tuberous sclerosis 2. Last evaluated: 2025-05-21. Review status: criteria provided, single submitter. Criteria: Myriad Autosomal Dominant, Autosomal Recessive and X-Linked Classification Criteria (2023). Collection method: clinical testing. Allele origin: unknown.
Comment: This variant is considered benign. This variant is a silent/synonymous amino acid change and it is not expected to impact splicing.

Labcorp Genetics (formerly Invitae), Labcorp
Classification: Likely benign for Tuberous sclerosis 2. Last evaluated: 2023-06-04. Review status: criteria provided, single submitter. Criteria: Invitae Variant Classification Sherloc (09022015). Collection method: clinical testing. Allele origin: germline.

Genome-Nilou Lab
Classification: Benign for Tuberous sclerosis 2. Last evaluated: 2021-11-07. Review status: criteria provided, single submitter. Criteria: ACMG Guidelines, 2015. Collection method: clinical testing. Allele origin: germline. Affected: no.

Ambry Genetics
Classification: Likely benign for Hereditary cancer-predisposing syndrome. Last evaluated: 2019-09-25. Review status: criteria provided, single submitter. Criteria: Ambry Variant Classification Scheme 2023. Collection method: clinical testing. Allele origin: germline.

NM_000548.5(TSC2):c.2733C>T (p.Phe911=)

Gene: TSC2 (TSC complex subunit 2; plus strand). Cytogenetic location: 16p13.3.
Variant type: single nucleotide variant.
Coding change: c.2733C>T on transcript NM_000548.5 (MANE Select); coding-DNA position 2733, C replaced by T.
Protein change: p.Phe911=; no amino-acid change (phenylalanine 911 retained).
Molecular consequence: synonymous variant.
Genome position (GRCh38, 1-based): chr16:2,076,161, C>T. VCF-style: chr16-2076161-C-T. GRCh37 (hg19) VCF-style: chr16-2126162-C-T.
Other names: c.2733C>T, p.Phe911= (NM_001077183.3, NM_001114382.3, NM_001363528.2 and 3 more transcripts); c.2622C>T, p.Phe874= (NM_001318827.2); c.2586C>T, p.Phe862= (NM_001318829.2); c.2133C>T, p.Phe711= (NM_001318831.2); c.2766C>T, p.Phe922= (NM_001318832.2).
Identifiers: ClinVar variation 821732 (VCV000821732.16), dbSNP rs1596367012, ClinGen allele CA492953686.